The following is an entry in ClinVar:

NM_015375.3(DSTYK):c.732C>G (p.Phe244Leu)

Gene: DSTYK (dual serine/threonine and tyrosine protein kinase; minus strand). Cytogenetic location: 1q32.1.
Variant type: single nucleotide variant.
Coding change: c.732C>G on transcript NM_015375.3 (MANE Select); coding-DNA position 732, C replaced by G.
Protein change: p.Phe244Leu; replaces phenylalanine 244 with leucine.
Molecular consequence: missense variant.
Genome position (GRCh38, 1-based): chr1:205,169,755, G>C on the plus strand (C>G on the coding strand, the complement: DSTYK is on the minus strand). VCF-style: chr1-205169755-G-C. GRCh37 (hg19) VCF-style: chr1-205138883-G-C.
Other names: c.732C>G, p.Phe244Leu (NM_199462.3); short protein forms F244L.
Identifiers: ClinVar variation 2188049 (VCV002188049.4), dbSNP rs781082018, ClinGen allele CA344402256.
Genomic context (GRCh38, chr1:205,169,755, plus strand): 5'-CTCTTGCTCATCCCTCTCAGAGAGTTCATCTTTGTGGAGTGCATAGGTTATCACAGGCAA[G>C]AAATCATTCACCAAGTCACCCAGAACATCCACTGTGGGCCGGAGGCCTTGGCATGGTGCT-3'
Protein context (NP_056190.1, residues 234-254): VDVLGDLVND[Phe244Leu]LPVITYALHK

ClinVar aggregate classification (germline): Uncertain significance (1 of 4 stars; one submission).

Submission:

Labcorp Genetics (formerly Invitae), Labcorp
Classification: Uncertain significance. Last evaluated: 2024-11-27. Review status: criteria provided, single submitter. Criteria: Invitae Variant Classification Sherloc (09022015). Collection method: clinical testing. Allele origin: germline.
Comment: This sequence change replaces phenylalanine, which is neutral and non-polar, with leucine, which is neutral and non-polar, at codon 244 of the DSTYK protein (p.Phe244Leu). This variant is not present in population databases (gnomAD no frequency). This variant has not been reported in the literature in individuals affected with DSTYK-related conditions. ClinVar contains an entry for this variant (Variation ID: 2188049). An algorithm developed to predict the effect of missense changes on protein structure and function (PolyPhen-2) suggests that this variant is likely to be tolerated. In summary, the available evidence is currently insufficient to determine the role of this variant in disease. Therefore, it has been classified as a Variant of Uncertain Significance.